The following is an entry in ClinVar:

ClinVar aggregate classification (germline): Uncertain significance (1 of 4 stars; one submission).

gnomAD v4.1: 1 of 1,614,112 alleles (0.000062%); highest among the groups gnomAD compares: Non-Finnish European, 0.000085%; no homozygotes.

Submission:

GeneDx
Classification: Uncertain significance. Last evaluated: 2025-04-29. Review status: criteria provided, single submitter. Criteria: GeneDx Variant Classification Process June 2021. Collection method: clinical testing. Allele origin: germline. Affected: yes.
Comment: Not observed at significant frequency in large population cohorts (gnomAD); In silico analysis supports that this missense variant has a deleterious effect on protein structure/function; Has not been previously published as pathogenic or benign to our knowledge

NM_001134407.3(GRIN2A):c.816T>G (p.Phe272Leu)

Gene: GRIN2A (glutamate ionotropic receptor NMDA type subunit 2A; minus strand). Cytogenetic location: 16p13.2.
Variant type: single nucleotide variant.
Coding change: c.816T>G on transcript NM_001134407.3 (MANE Select); coding-DNA position 816, T replaced by G.
Protein change: p.Phe272Leu; replaces phenylalanine 272 with leucine.
Molecular consequence: missense variant.
Genome position (GRCh38, 1-based): chr16:9,938,150, A>C on the plus strand (T>G on the coding strand, the complement: GRIN2A is on the minus strand). VCF-style: chr16-9938150-A-C. GRCh37 (hg19) VCF-style: chr16-10032007-A-C.
Other names: c.816T>G, p.Phe272Leu (NM_000833.5, NM_001134408.2); short protein forms F272L.
Identifiers: ClinVar variation 4527820 (VCV004527820.1).